The following is an entry in ClinVar:

NM_001165963.4(SCN1A):c.3455C>A (p.Ser1152Ter)

Genes: SCN1A (sodium voltage-gated channel alpha subunit 1; minus strand), LOC102724058 (uncharacterized LOC102724058; plus strand). Cytogenetic location: 2q24.3.
Variant type: single nucleotide variant.
Coding change: c.3455C>A on transcript NM_001165963.4 (MANE Select); coding-DNA position 3455, C replaced by A.
Protein change: p.Ser1152Ter; replaces serine 1152 with a stop codon.
Molecular consequence: nonsense. On other transcripts: non-coding transcript variant (2).
Genome position (GRCh38, 1-based): chr2:166,015,702, G>T on the plus strand (C>A on the coding strand, the complement: SCN1A is on the minus strand). VCF-style: chr2-166015702-G-T. GRCh37 (hg19) VCF-style: chr2-166872212-G-T.
Other names: c.3371C>A, p.Ser1124Ter (NM_001165964.3, NM_001353957.2, NM_001353958.2); c.3455C>A, p.Ser1152Ter (NM_001202435.3, NM_001353948.2); c.3422C>A, p.Ser1141Ter (NM_001353949.2, NM_001353950.2, NM_001353951.2 and 2 more transcripts); c.3419C>A, p.Ser1140Ter (NM_001353954.2, NM_001353955.2); c.3368C>A, p.Ser1123Ter (NM_001353960.2); c.1013C>A, p.Ser338Ter (NM_001353961.2); short protein forms S1141*, S1152*, S1123*, S338*, S1124*, S1140*.
Identifiers: ClinVar variation 189884 (VCV000189884.1), dbSNP rs794726728, ClinGen allele CA303205.

ClinVar aggregate classification (germline): Pathogenic (1 of 4 stars; one submission).

Conditions:
Severe myoclonic epilepsy in infancy (DRVT). Also called: Epileptic encephalopathy, early infantile, 6 (Dravet syndrome); SEVERE MYOCLONIC EPILEPSY OF INFANCY; DEVELOPMENTAL AND EPILEPTIC ENCEPHALOPATHY 6A; Severe Myoclonic Epilepsy in Infancy (SMEI); Dravet syndrome. Identifiers: Orphanet 33069, MedGen C0751122, MONDO:0100135, OMIM 607208.

Submission:

Center for Bioinformatics, Peking University
Classification: Pathogenic for Dravet syndrome. Last evaluated: 2014-12-20. Review status: criteria provided, single submitter. Criteria: Xu et al. (Hum Mutat. 2015). Collection method: research. Allele origin: de novo. Affected: yes. Observed: 1 variant allele. Study: University Clinical Cooperation “985 Project” PKU-2014-1-1.
Comment: Dravet syndrome (DS) probands were recruited from the outpatient and inpatient child neurology units of Peking University First Hospital from 2005 till present. The study was approved by the Ethics Committee of Peking University First Hospital and the Institutional Review Board at Peking University. Participants or their parents provided written informed consent before enrollment. We collected a total of 267 mutations from 255 families with probands diagnosed with DS in China. All probands fulfilled the clinical diagnostic criteria.